The following is an entry in ClinVar:

ClinVar aggregate classification (germline): Conflicting classifications of pathogenicity. Review status: criteria provided, conflicting classifications (1 of 4 stars). 4 submissions from 4 submitters: Uncertain significance (3); Likely benign (1). Last evaluated 2026-03-04.

Conditions:
SEMA3E-related disorder. Also called: SEMA3E-related condition.
CHARGE syndrome (CHARGE). Also called: CHARGE ASSOCIATION--COLOBOMA, HEART ANOMALY, CHOANAL ATRESIA, RETARDATION, GENITAL AND EAR ANOMALIES; Coloboma, heart anomaly, choanal atresia, retardation, genital and ear anomalies; CHARGE association; Hall-Hittner syndrome; Hittner Hirsch Kreh syndrome. Identifiers: Orphanet 138, MedGen C0265354, MONDO:0008965.

Allele frequency attached by ClinVar (database versions not stated): ExAC 0.00001; gnomAD 0.00002 and 0.00003; gnomAD exomes 0.00002; TOPMed 0.00002; 1000 Genomes Project 0.00040; 1000 Genomes Project 30x 0.00047.
gnomAD v4.1: 41 of 1,614,072 alleles (0.0025%); highest among the groups gnomAD compares: Admixed American, 0.0033%; 1 homozygote.

Submissions (4):

PreventionGenetics, part of Exact Sciences
Classification: Uncertain significance for SEMA3E-related condition. Last evaluated: 2026-03-04. Review status: criteria provided, single submitter. Criteria: ACMG Guidelines, 2015. Collection method: clinical testing. Allele origin: germline.
Comment: The SEMA3E c.2143C>A variant is predicted to result in the amino acid substitution p.Gln715Lys. To our knowledge, this variant has not been reported in the literature. This variant is reported in 0.0035% of alleles in individuals of European (Non-Finnish) descent in gnomAD. At this time, the clinical significance of this variant is uncertain due to the absence of conclusive functional and genetic evidence.

Labcorp Genetics (formerly Invitae), Labcorp
Classification: Uncertain significance for CHARGE syndrome. Last evaluated: 2025-11-25. Review status: criteria provided, single submitter. Criteria: Invitae Variant Classification Sherloc (09022015). Collection method: clinical testing. Allele origin: germline.
Comment: This sequence change replaces glutamine, which is neutral and polar, with lysine, which is basic and polar, at codon 715 of the SEMA3E protein (p.Gln715Lys). This variant is present in population databases (rs538244011, gnomAD 0.003%). This variant has not been reported in the literature in individuals affected with SEMA3E-related conditions. ClinVar contains an entry for this variant (Variation ID: 915375). An algorithm developed to predict the effect of missense changes on protein structure and function (PolyPhen-2) suggests that this variant is likely to be disruptive. In summary, the available evidence is currently insufficient to determine the role of this variant in disease. Therefore, it has been classified as a Variant of Uncertain Significance.

Genomic Research Center, Shahid Beheshti University of Medical Sciences
Classification: Likely benign for CHD7-related CHARGE syndrome. Last evaluated: 2020-05-03. Review status: criteria provided, single submitter. Criteria: ACMG Guidelines, 2015. Collection method: clinical testing. Allele origin: unknown. Affected: yes.

GeneDx
Classification: Uncertain significance. Last evaluated: 2019-04-09. Review status: criteria provided, single submitter. Criteria: GeneDx Variant Classification Process June 2021. Collection method: clinical testing. Allele origin: germline. Affected: yes.
Comment: In silico analysis, which includes protein predictors and evolutionary conservation, supports that this variant does not alter protein structure/function; Has not been previously published as pathogenic or benign to our knowledge

NM_012431.3(SEMA3E):c.2143C>A (p.Gln715Lys)

Gene: SEMA3E (semaphorin 3E; minus strand). Cytogenetic location: 7q21.11.
Variant type: single nucleotide variant.
Coding change: c.2143C>A on transcript NM_012431.3 (MANE Select); coding-DNA position 2143, C replaced by A.
Protein change: p.Gln715Lys; replaces glutamine 715 with lysine.
Molecular consequence: missense variant.
Genome position (GRCh38, 1-based): chr7:83,367,771, G>T on the plus strand (C>A on the coding strand, the complement: SEMA3E is on the minus strand). VCF-style: chr7-83367771-G-T. GRCh37 (hg19) VCF-style: chr7-82997087-G-T.
Other names: c.1963C>A, p.Gln655Lys (NM_001178129.2); c.2143C>A (NM_012431.2); short protein forms Q655K, Q715K.
Identifiers: ClinVar variation 915375 (VCV000915375.13), dbSNP rs538244011, ClinGen allele CA4321821.